The following is an entry in ClinVar:

NM_001349253.2(SCN11A):c.2177G>A (p.Ser726Asn)

Gene: SCN11A (sodium voltage-gated channel alpha subunit 11; minus strand). Cytogenetic location: 3p22.2.
Variant type: single nucleotide variant.
Coding change: c.2177G>A on transcript NM_001349253.2 (MANE Select); coding-DNA position 2177, G replaced by A.
Protein change: p.Ser726Asn; replaces serine 726 with asparagine.
Molecular consequence: missense variant.
Genome position (GRCh38, 1-based): chr3:38,897,071, C>T on the plus strand (G>A on the coding strand, the complement: SCN11A is on the minus strand). VCF-style: chr3-38897071-C-T. GRCh37 (hg19) VCF-style: chr3-38938562-C-T.
Other names: c.2177G>A, p.Ser726Asn (NM_014139.3); c.2177G>A (NM_014139.2); short protein forms S726N.
Identifiers: ClinVar variation 1364949 (VCV001364949.10), dbSNP rs759697563, ClinGen allele CA2322117.

ClinVar aggregate classification (germline): Uncertain significance. Review status: criteria provided, multiple submitters, no conflicts (2 of 4 stars). 3 submissions from 3 submitters: Uncertain significance (3). Last evaluated 2025-03-15.

Conditions:
Inborn genetic diseases. Identifiers: MedGen C0950123, MeSH D030342.
Hereditary sensory and autonomic neuropathy type 7. Also called: Neuropathy, hereditary sensory and autonomic, type VII; HSAN VII. Identifiers: Orphanet 391397, MedGen C3809882, MONDO:0014244, OMIM 615548.
Familial episodic pain syndrome with predominantly lower limb involvement. Also called: Episodic pain syndrome, familial, 3. Identifiers: Orphanet 391384, Orphanet 391392, MedGen C3809899, MONDO:0014247, OMIM 615552.

Allele frequency attached by ClinVar (database versions not stated): gnomAD exomes below 0.00001 and 0.00001; ExAC 0.00001; gnomAD 0.00001; TOPMed 0.00002.
gnomAD v4.1: 5 of 1,613,976 alleles (0.00031%); highest among the groups gnomAD compares: Middle Eastern, 0.016%; no homozygotes.

Submissions (3):

Ambry Genetics
Classification: Uncertain significance for Inborn genetic diseases. Last evaluated: 2025-03-15. Review status: criteria provided, single submitter. Criteria: Ambry Variant Classification Scheme 2023. Collection method: clinical testing. Allele origin: germline.

GeneDx
Classification: Uncertain significance. Last evaluated: 2024-04-01. Review status: criteria provided, single submitter. Criteria: GeneDx Variant Classification Process June 2021. Collection method: clinical testing. Allele origin: germline. Affected: yes.
Comment: In silico analysis supports that this missense variant does not alter protein structure/function; Has not been previously published as pathogenic or benign to our knowledge

Labcorp Genetics (formerly Invitae), Labcorp
Classification: Uncertain significance for Familial episodic pain syndrome with predominantly lower limb involvement; Hereditary sensory and autonomic neuropathy type 7. Last evaluated: 2023-04-23. Review status: criteria provided, single submitter. Criteria: Invitae Variant Classification Sherloc (09022015). Collection method: clinical testing. Allele origin: germline.
Comment: In summary, the available evidence is currently insufficient to determine the role of this variant in disease. Therefore, it has been classified as a Variant of Uncertain Significance. Advanced modeling of protein sequence and biophysical properties (such as structural, functional, and spatial information, amino acid conservation, physicochemical variation, residue mobility, and thermodynamic stability) performed at Invitae indicates that this missense variant is not expected to disrupt SCN11A protein function. ClinVar contains an entry for this variant (Variation ID: 1364949). This variant has not been reported in the literature in individuals affected with SCN11A-related conditions. This variant is present in population databases (rs759697563, gnomAD 0.01%). This sequence change replaces serine, which is neutral and polar, with asparagine, which is neutral and polar, at codon 726 of the SCN11A protein (p.Ser726Asn).